The following is an entry in ClinVar:

NM_022039.4(FBXW4):c.*7G>C

Gene: FBXW4 (F-box and WD repeat domain containing 4; minus strand). Cytogenetic location: 10q24.32.
Variant type: single nucleotide variant.
Coding change: c.*7G>C on transcript NM_022039.4 (MANE Select); 7 bases downstream of the stop codon, G replaced by C.
Molecular consequence: 3 prime UTR variant. On other transcripts: non-coding transcript variant (1).
Genome position (GRCh38, 1-based): chr10:101,611,284, C>G on the plus strand (G>C on the coding strand, the complement: FBXW4 is on the minus strand). VCF-style: chr10-101611284-C-G. GRCh37 (hg19) VCF-style: chr10-103371041-C-G.
Other names: c.*7G>C (NM_001323541.2).
Identifiers: ClinVar variation 298527 (VCV000298527.7), dbSNP rs73349895, ClinGen allele CA5657150.

ClinVar aggregate classification (germline): Benign. Review status: criteria provided, multiple submitters, no conflicts (2 of 4 stars). 3 submissions from 3 submitters: Benign (3). Last evaluated 2021-05-04.

Conditions:
Split hand-foot malformation 3. Also called: CHROMOSOME 10q24 DUPLICATION SYNDROME; SHSF3; Buttiens Fryns syndrome. Identifiers: Orphanet 1307, MedGen C1838652, MONDO:0009525, OMIM 246560.

Allele frequency attached by ClinVar (database versions not stated): gnomAD exomes 0.00995; ExAC 0.01226; gnomAD 0.03621 and 0.03898; 1000 Genomes Project 0.03734; 1000 Genomes Project 30x 0.03841; ESP Exome Variant Server 0.04021; TOPMed 0.04079.
gnomAD v4.1: 11,750 of 1,612,714 alleles (0.73%); highest among the groups gnomAD compares: African/African-American, 13%; 634 homozygotes.

Submissions (3):

GeneDx
Classification: Benign. Last evaluated: 2021-05-04. Review status: criteria provided, single submitter. Criteria: GeneDx Variant Classification Process June 2021. Collection method: clinical testing. Allele origin: germline. Affected: yes.

Illumina Laboratory Services, Illumina
Classification: Benign for Split hand-foot malformation 3. Last evaluated: 2018-01-13. Review status: criteria provided, single submitter. Criteria: ICSL Variant Classification Criteria 13 December 2019. Collection method: clinical testing. Allele origin: germline.
Comment: This variant was observed in the ICSL laboratory as part of a predisposition screen in an ostensibly healthy population. It had not been previously curated by ICSL or reported in the Human Gene Mutation Database (HGMD: prior to June 1st, 2018), and was therefore a candidate for classification through an automated scoring system. Utilizing variant allele frequency, disease prevalence and penetrance estimates, and inheritance mode, an automated score was calculated to assess if this variant is too frequent to cause the disease. Based on the score and internal cut-off values, a variant classified as benign is not then subjected to further curation. The score for this variant resulted in a classification of benign for this disease.

Breakthrough Genomics
Classification: Benign. Review status: criteria provided, single submitter. Criteria: ACMG Guidelines, 2015. Collection method: not provided. Allele origin: germline. Inheritance: Unknown mechanism. Affected: yes.